The following is an entry in ClinVar:

ClinVar aggregate classification (germline): Uncertain significance (1 of 4 stars; one submission).

Allele frequency attached by ClinVar (database versions not stated): gnomAD exomes 0.00001; ExAC 0.00002; gnomAD 0.00003; 1000 Genomes Project 30x 0.00031; 1000 Genomes Project 0.00040.

Submission:

Labcorp Genetics (formerly Invitae), Labcorp
Classification: Uncertain significance. Last evaluated: 2022-05-05. Review status: criteria provided, single submitter. Criteria: Invitae Variant Classification Sherloc (09022015). Collection method: clinical testing. Allele origin: germline.
Comment: In summary, the available evidence is currently insufficient to determine the role of this variant in disease. Therefore, it has been classified as a Variant of Uncertain Significance. Algorithms developed to predict the effect of missense changes on protein structure and function (SIFT, PolyPhen-2, Align-GVGD) all suggest that this variant is likely to be tolerated. This variant has not been reported in the literature in individuals affected with IFT81-related conditions. The frequency data for this variant in the population databases is considered unreliable, as metrics indicate poor data quality at this position in the gnomAD database. This sequence change replaces serine, which is neutral and polar, with arginine, which is basic and polar, at codon 11 of the IFT81 protein (p.Ser11Arg).

NM_014055.4(IFT81):c.31A>C (p.Ser11Arg)

Gene: IFT81 (intraflagellar transport 81; plus strand). Cytogenetic location: 12q24.11.
Variant type: single nucleotide variant.
Coding change: c.31A>C on transcript NM_014055.4 (MANE Select); coding-DNA position 31, A replaced by C.
Protein change: p.Ser11Arg; replaces serine 11 with arginine.
Molecular consequence: missense variant. On other transcripts: 5 prime UTR variant (2), non-coding transcript variant (4).
Genome position (GRCh38, 1-based): chr12:110,127,411, A>C. VCF-style: chr12-110127411-A-C. GRCh37 (hg19) VCF-style: chr12-110565216-A-C.
Other names: c.31A>C, p.Ser11Arg (NM_001143779.2, NM_001347946.2, NM_031473.4); c.-736A>C (NM_001347947.2, NM_001347948.2); short protein forms S11R.
Identifiers: ClinVar variation 1908622 (VCV001908622.5), dbSNP rs191678360, ClinGen allele CA6782977.
Genomic context (GRCh38, chr12:110,127,411, plus strand): 5'-ACTCTTTAGTTAAAATTATAAGACCTAATTATGAGTGATCAAATTAAATTCATTATGGAC[A>C]GTCTCAATAAGGAGCCCTTTAGGAAGAACTATAATTTAATCACGTTTGATTCCTTGGAGC-3'
Protein context (NP_054774.2, residues 1-21): MSDQIKFIMD[Ser11Arg]LNKEPFRKNY